The following is an entry in ClinVar:

NM_173849.3(GSC):c.182C>A (p.Pro61His)

Gene: GSC (goosecoid homeobox; minus strand). Cytogenetic location: 14q32.13.
Variant type: single nucleotide variant.
Coding change: c.182C>A on transcript NM_173849.3 (MANE Select); coding-DNA position 182, C replaced by A.
Protein change: p.Pro61His; replaces proline 61 with histidine.
Molecular consequence: missense variant.
Genome position (GRCh38, 1-based): chr14:94,769,834, G>T on the plus strand (C>A on the coding strand, the complement: GSC is on the minus strand). VCF-style: chr14-94769834-G-T. GRCh37 (hg19) VCF-style: chr14-95236171-G-T.
Other names: short protein forms P61H.
Identifiers: ClinVar variation 2043244 (VCV002043244.4), dbSNP rs1885248210, ClinGen allele CA391149016.

ClinVar aggregate classification (germline): Uncertain significance (1 of 4 stars; one submission).

Allele frequency attached by ClinVar (database versions not stated): TOPMed below 0.00001.

Submission:

Labcorp Genetics (formerly Invitae), Labcorp
Classification: Uncertain significance. Last evaluated: 2022-08-16. Review status: criteria provided, single submitter. Criteria: Invitae Variant Classification Sherloc (09022015). Collection method: clinical testing. Allele origin: germline.
Comment: This variant is not present in population databases (gnomAD no frequency). In summary, the available evidence is currently insufficient to determine the role of this variant in disease. Therefore, it has been classified as a Variant of Uncertain Significance. Algorithms developed to predict the effect of missense changes on protein structure and function are either unavailable or do not agree on the potential impact of this missense change (SIFT: "Deleterious"; PolyPhen-2: "Benign"; Align-GVGD: "Class C0"). This variant has not been reported in the literature in individuals affected with GSC-related conditions. This sequence change replaces proline, which is neutral and non-polar, with histidine, which is basic and polar, at codon 61 of the GSC protein (p.Pro61His).